The following is an entry in ClinVar:

NM_174878.3(CLRN1):c.434G>T (p.Gly145Val)

Gene: CLRN1 (clarin 1; minus strand). Cytogenetic location: 3q25.1.
Variant type: single nucleotide variant.
Coding change: c.434G>T on transcript NM_174878.3 (MANE Select); coding-DNA position 434, G replaced by T.
Protein change: p.Gly145Val; replaces glycine 145 with valine.
Molecular consequence: missense variant. On other transcripts: 3 prime UTR variant (1), non-coding transcript variant (1).
Genome position (GRCh38, 1-based): chr3:150,928,201, C>A on the plus strand (G>T on the coding strand, the complement: CLRN1 is on the minus strand). VCF-style: chr3-150928201-C-A. GRCh37 (hg19) VCF-style: chr3-150645988-C-A.
Other names: c.473G>T, p.Gly158Val (NM_001195794.1); c.*48G>T (NM_001256819.2); c.206G>T, p.Gly69Val (NM_052995.2); short protein forms G158V, G69V, G145V.
Identifiers: ClinVar variation 966186 (VCV000966186.33), dbSNP rs765085056, ClinGen allele CA354953522.

ClinVar aggregate classification (germline): Conflicting classifications of pathogenicity. Review status: criteria provided, conflicting classifications (1 of 4 stars). 2 submissions from 2 submitters: Likely pathogenic (1); Uncertain significance (1). Last evaluated 2022-12-31.

Conditions:
Usher syndrome. Also called: Usher Syndromes; Usher's syndrome. Identifiers: Orphanet 886, MedGen CN469326, MeSH D052245, MONDO:0019501. Disease mechanism: loss of function.

gnomAD v4.1: 1 of 1,613,920 alleles (0.000062%); highest among the groups gnomAD compares: Non-Finnish European, 0.000085%; no homozygotes.

Submissions (2):

SN ONGC Dept of Genetics and Molecular biology Vision Research Foundation
Classification: Likely pathogenic for Usher syndrome. Last evaluated: 2022-12-31. Review status: criteria provided, single submitter. Criteria: ACMG Guidelines, 2015. Collection method: research. Allele origin: unknown. Affected: yes. Observed: 2 variant alleles, 2 homozygotes.

Labcorp Genetics (formerly Invitae), Labcorp
Classification: Uncertain significance. Last evaluated: 2020-02-22. Review status: criteria provided, single submitter. Criteria: Invitae Variant Classification Sherloc (09022015). Collection method: clinical testing. Allele origin: germline.
Comment: This sequence change replaces glycine with valine at codon 145 of the CLRN1 protein (p.Gly145Val). The glycine residue is moderately conserved and there is a moderate physicochemical difference between glycine and valine. This variant is not present in population databases (ExAC no frequency). This variant has not been reported in the literature in individuals with CLRN1-related conditions. Algorithms developed to predict the effect of missense changes on protein structure and function (SIFT, PolyPhen-2, Align-GVGD) all suggest that this variant is likely to be tolerated, but these predictions have not been confirmed by published functional studies and their clinical significance is uncertain. In summary, the available evidence is currently insufficient to determine the role of this variant in disease. Therefore, it has been classified as a Variant of Uncertain Significance.